The following is an entry in ClinVar:

NM_001270.4(CHD1):c.1132_1144del (p.Gln378fs)

Gene: CHD1 (chromodomain helicase DNA binding protein 1; minus strand). Cytogenetic location: 5q15.
Variant type: Deletion.
Coding change: c.1132_1144del on transcript NM_001270.4 (MANE Select); coding-DNA positions 1132 to 1144, 13 bases deleted (CAAGAACTTACAG).
Protein change: p.Gln378fs; shifts the reading frame from glutamine 378.
Molecular consequence: frameshift variant. On other transcripts: non-coding transcript variant (2).
Genome position (GRCh38, 1-based): chr5:98,898,706-98,898,718, CTGTAAGTTCTTG deleted on the plus strand (CAAGAACTTACAG on the coding strand, the reverse complement: CHD1 is on the minus strand); deleting any 13 consecutive bases within chr5:98,898,706-98,898,721 gives the same sequence; the c. name uses the placement nearest the transcript's 3' end. VCF-style (leftmost placement, unchanged base first): chr5-98898705-TCTGTAAGTTCTTG-T. GRCh37 (hg19) VCF-style: chr5-98234409-TCTGTAAGTTCTTG-T.
Other names: c.1132_1144del, p.Gln378fs (NM_001364113.3, NM_001376194.2); short protein forms Q378fs.
Identifiers: ClinVar variation 3383426 (VCV003383426.2).

ClinVar aggregate classification (germline): Likely pathogenic (1 of 4 stars; one submission).

Submission:

Centre of Medical Genetics, University Hospital Muenster
Classification: Likely pathogenic. Last evaluated: 2024-08-16. Review status: criteria provided, single submitter. Criteria: ACMG Guidelines, 2015. Collection method: clinical testing. Allele origin: unknown. Affected: yes. Observed: 1 variant allele, 1 heterozygote.
Comment: ACMG categories: PVS1,PM2